The following is an entry in ClinVar:

ClinVar aggregate classification (germline): Uncertain significance (1 of 4 stars; one submission).

Conditions:
Hyperaldosteronism, familial, type IV (HALD4). Also called: FH IV; ALDOSTERONISM, PRIMARY, AND HYPERTENSION. Identifiers: Orphanet 642671, MedGen C4310756, MONDO:0014875, OMIM 617027.
Idiopathic generalized epilepsy. Also called: Generalised epilepsy; EIG. Identifiers: MedGen C0270850, MONDO:0005579, OMIM 600669.

Submission:

Labcorp Genetics (formerly Invitae), Labcorp
Classification: Uncertain significance for Idiopathic generalized epilepsy; Hyperaldosteronism, familial, type IV. Last evaluated: 2025-11-10. Review status: criteria provided, single submitter. Criteria: Invitae Variant Classification Sherloc (09022015). Collection method: clinical testing. Allele origin: germline.
Comment: This sequence change replaces serine, which is neutral and polar, with alanine, which is neutral and non-polar, at codon 49 of the CACNA1H protein (p.Ser49Ala). This variant is not present in population databases (gnomAD no frequency). This variant has not been reported in the literature in individuals affected with CACNA1H-related conditions. ClinVar contains an entry for this variant (Variation ID: 3763350). Invitae Evidence Modeling of protein sequence and biophysical properties (such as structural, functional, and spatial information, amino acid conservation, physicochemical variation, residue mobility, and thermodynamic stability) indicates that this missense variant is not expected to disrupt CACNA1H protein function with a negative predictive value of 95%. In summary, the available evidence is currently insufficient to determine the role of this variant in disease. Therefore, it has been classified as a Variant of Uncertain Significance.

NM_021098.3(CACNA1H):c.145T>G (p.Ser49Ala)

Gene: CACNA1H (calcium voltage-gated channel subunit alpha1 H; plus strand). Cytogenetic location: 16p13.3.
Variant type: single nucleotide variant.
Coding change: c.145T>G on transcript NM_021098.3 (MANE Select); coding-DNA position 145, T replaced by G.
Protein change: p.Ser49Ala; replaces serine 49 with alanine.
Molecular consequence: missense variant.
Genome position (GRCh38, 1-based): chr16:1,153,882, T>G. VCF-style: chr16-1153882-T-G. GRCh37 (hg19) VCF-style: chr16-1203882-T-G.
Other names: c.145T>G, p.Ser49Ala (NM_001005407.2); short protein forms S49A.
Identifiers: ClinVar variation 3763350 (VCV003763350.2).